The following is an entry in ClinVar:

ClinVar aggregate classification (germline): Likely benign. Review status: criteria provided, multiple submitters, no conflicts (2 of 4 stars). 4 submissions from 4 submitters: Likely benign (4). Last evaluated 2025-07-22.

Conditions:
SLC24A1-related disorder. Also called: SLC24A1-related condition.

Allele frequency attached by ClinVar (database versions not stated): gnomAD 0.00006; gnomAD exomes 0.00008 and 0.00009; TOPMed 0.00008; ExAC 0.00010.
gnomAD v4.1: 124 of 1,613,810 alleles (0.0077%); highest among the groups gnomAD compares: Non-Finnish European, 0.0097%; no homozygotes.

Submissions (4):

PreventionGenetics, part of Exact Sciences
Classification: Likely benign for SLC24A1-related condition. Last evaluated: 2025-07-22. Review status: criteria provided, single submitter. Criteria: ACMG Guidelines, 2015. Collection method: clinical testing. Allele origin: germline.
Comment: This variant is classified as likely benign based on ACMG/AMP sequence variant interpretation guidelines (Richards et al. 2015 PMID: 25741868, with internal and published modifications).

Labcorp Genetics (formerly Invitae), Labcorp
Classification: Likely benign. Last evaluated: 2025-03-07. Review status: criteria provided, single submitter. Criteria: Invitae Variant Classification Sherloc (09022015). Collection method: clinical testing. Allele origin: germline.

CeGaT Center for Human Genetics Tuebingen
Classification: Likely benign. Last evaluated: 2025-02-01. Review status: criteria provided, single submitter. Criteria: CeGaT Center For Human Genetics Tuebingen Variant Classification Criteria Version 2. Collection method: clinical testing. Allele origin: germline. Affected: yes. Observed: 1 variant allele.
Comment: SLC24A1: BP4, BP7

Blueprint Genetics
Classification: Likely benign. Last evaluated: 2024-11-11. Review status: criteria provided, single submitter. Criteria: ACMG Guidelines, 2015. Collection method: clinical testing. Allele origin: germline.

NM_004727.3(SLC24A1):c.3180G>A (p.Ala1060=)

Gene: SLC24A1 (solute carrier family 24 member 1; plus strand). Cytogenetic location: 15q22.31.
Variant type: single nucleotide variant.
Coding change: c.3180G>A on transcript NM_004727.3 (MANE Select); coding-DNA position 3180, G replaced by A.
Protein change: p.Ala1060=; no amino-acid change (alanine 1060 retained).
Molecular consequence: synonymous variant. On other transcripts: intron variant (1).
Genome position (GRCh38, 1-based): chr15:65,653,959, G>A. VCF-style: chr15-65653959-G-A. GRCh37 (hg19) VCF-style: chr15-65946297-G-A.
Other names: c.1161G>A, p.Ala387= (NM_001254740.2); c.3090G>A, p.Ala1030= (NM_001301031.1); c.3126G>A, p.Ala1042= (NM_001301032.1); c.2996+1151G>A (NM_001301033.2); c.3180G>A (NM_004727.2).
Identifiers: ClinVar variation 1137988 (VCV001137988.24), dbSNP rs537146025, ClinGen allele CA7620333.